The following is an entry in ClinVar:

ClinVar aggregate classification (germline): Uncertain significance (1 of 4 stars; one submission).

Conditions:
Familial thoracic aortic aneurysm and aortic dissection (TAAD). Also called: Thoracic aortic aneurysms and dissections. Identifiers: Orphanet 91387, MedGen C4707243, MONDO:0019625.
Marfan syndrome (MFS). Also called: FBN1-Related Marfan Syndrome; Marfan syndrome type 1; Marfan's syndrome; Marfan syndrome, classic; MARFAN SYNDROME, TYPE I. Identifiers: Orphanet 284963, Orphanet 558, MedGen C0024796, MONDO:0007947, OMIM 154700.

Submission:

Labcorp Genetics (formerly Invitae), Labcorp
Classification: Uncertain significance for Marfan syndrome; Familial thoracic aortic aneurysm and aortic dissection. Last evaluated: 2022-07-05. Review status: criteria provided, single submitter. Criteria: Invitae Variant Classification Sherloc (09022015). Collection method: clinical testing. Allele origin: germline.
Comment: In summary, the available evidence is currently insufficient to determine the role of this variant in disease. Therefore, it has been classified as a Variant of Uncertain Significance. Advanced modeling of protein sequence and biophysical properties (such as structural, functional, and spatial information, amino acid conservation, physicochemical variation, residue mobility, and thermodynamic stability) performed at Invitae indicates that this missense variant is expected to disrupt FBN1 protein function. ClinVar contains an entry for this variant (Variation ID: 661655). This variant has not been reported in the literature in individuals affected with FBN1-related conditions. This variant is not present in population databases (gnomAD no frequency). This sequence change replaces cysteine, which is neutral and slightly polar, with tyrosine, which is neutral and polar, at codon 2715 of the FBN1 protein (p.Cys2715Tyr).

NM_000138.5(FBN1):c.8144G>A (p.Cys2715Tyr)

Gene: FBN1 (fibrillin 1; minus strand). Cytogenetic location: 15q21.1.
Variant type: single nucleotide variant.
Coding change: c.8144G>A on transcript NM_000138.5 (MANE Select); coding-DNA position 8144, G replaced by A.
Protein change: p.Cys2715Tyr; replaces cysteine 2715 with tyrosine.
Molecular consequence: missense variant.
Genome position (GRCh38, 1-based): chr15:48,412,651, C>T on the plus strand (G>A on the coding strand, the complement: FBN1 is on the minus strand). VCF-style: chr15-48412651-C-T. GRCh37 (hg19) VCF-style: chr15-48704848-C-T.
Other names: short protein forms C2715Y.
Identifiers: ClinVar variation 661655 (VCV000661655.8), dbSNP rs1597507716, ClinGen allele CA392321164.
Genomic context (GRCh38, chr15:48,412,651, plus strand): 5'-TCGTTTGTGCTTCTCCGTTTCCTGCCCCGTTTGGGGTAGCCATTGATCTTACACTCGTAA[C>T]AAGCCTCTGGGGAGAGTGAATTGTCATCCATTTCACCACTGACAGGTGGCTCTGGGTTTC-3'
Protein context (NP_000129.3, residues 2705-2725): MDDNSLSPEA[Cys2715Tyr]YECKINGYPK